The following is an entry in ClinVar:

ClinVar aggregate classification (germline): Uncertain significance (1 of 4 stars; one submission).

Conditions:
Autoimmune enteropathy and endocrinopathy - susceptibility to chronic infections syndrome. Also called: Immunodeficiency 31C; Immunodeficiency 31C, autosomal dominant. Identifiers: Orphanet 391487, MedGen C3279990, MONDO:0013599, OMIM 614162.
Mendelian susceptibility to mycobacterial diseases due to partial STAT1 deficiency. Also called: Immunodeficiency 31a; IMMUNODEFICIENCY 31A, MYCOBACTERIOSIS, AUTOSOMAL DOMINANT; STAT1 DEFICIENCY, AUTOSOMAL DOMINANT. Identifiers: Orphanet 319595, MedGen C4013950, MONDO:0013956, OMIM 614892.
Immunodeficiency 31B. Also called: IMMUNODEFICIENCY 31B, MYCOBACTERIAL AND VIRAL INFECTIONS, AUTOSOMAL RECESSIVE; STAT1 DEFICIENCY, AUTOSOMAL RECESSIVE. Identifiers: Orphanet 391311, MedGen C3151088, MONDO:0013427, OMIM 613796.

Submission:

Labcorp Genetics (formerly Invitae), Labcorp
Classification: Uncertain significance for Mendelian susceptibility to mycobacterial diseases due to partial STAT1 deficiency; Immunodeficiency 31B; Autoimmune enteropathy and endocrinopathy - susceptibility to chronic infections syndrome. Last evaluated: 2021-06-10. Review status: criteria provided, single submitter. Criteria: Invitae Variant Classification Sherloc (09022015). Collection method: clinical testing. Allele origin: germline.
Comment: In summary, the available evidence is currently insufficient to determine the role of this variant in disease. Therefore, it has been classified as a Variant of Uncertain Significance. Algorithms developed to predict the effect of missense changes on protein structure and function output the following: SIFT: "Tolerated"; PolyPhen-2: "Benign"; Align-GVGD: "Class C0". The glycine amino acid residue is found in multiple mammalian species, suggesting that this missense change does not adversely affect protein function. These predictions have not been confirmed by published functional studies and their clinical significance is uncertain. This variant has not been reported in the literature in individuals with STAT1-related conditions. This variant is not present in population databases (ExAC no frequency). This sequence change replaces serine with glycine at codon 532 of the STAT1 protein (p.Ser532Gly). The serine residue is weakly conserved and there is a small physicochemical difference between serine and glycine.

NM_007315.4(STAT1):c.1594A>G (p.Ser532Gly)

Gene: STAT1 (signal transducer and activator of transcription 1; minus strand). Cytogenetic location: 2q32.2.
Variant type: single nucleotide variant.
Coding change: c.1594A>G on transcript NM_007315.4 (MANE Select); coding-DNA position 1594, A replaced by G.
Protein change: p.Ser532Gly; replaces serine 532 with glycine.
Molecular consequence: missense variant.
Genome position (GRCh38, 1-based): chr2:190,980,658, T>C on the plus strand (A>G on the coding strand, the complement: STAT1 is on the minus strand). VCF-style: chr2-190980658-T-C. GRCh37 (hg19) VCF-style: chr2-191845384-T-C.
Other names: c.1534A>G, p.Ser512Gly (NM_001384880.1); c.1600A>G, p.Ser534Gly (NM_001384881.1, NM_001384884.1); c.1588A>G, p.Ser530Gly (NM_001384882.1); c.1495A>G, p.Ser499Gly (NM_001384883.1); c.1435A>G, p.Ser479Gly (NM_001384885.1); c.1594A>G, p.Ser532Gly (NM_001384886.1, NM_001384889.1, NM_139266.3); c.1501A>G, p.Ser501Gly (NM_001384887.1); c.1564A>G, p.Ser522Gly (NM_001384888.1); and 2 more; short protein forms S530G, S532G, S479G, S502G, S534G, S499G, S501G, S522G.
Identifiers: ClinVar variation 1359105 (VCV001359105.8), dbSNP rs2125013089, ClinGen allele CA349914776.